The following is an entry in ClinVar:

NM_025257.3(SLC44A4):c.466A>G (p.Met156Val)

Gene: SLC44A4 (solute carrier family 44 member 4; minus strand). Cytogenetic location: 6p21.33.
Variant type: single nucleotide variant.
Coding change: c.466A>G on transcript NM_025257.3 (MANE Select); coding-DNA position 466, A replaced by G.
Protein change: p.Met156Val; replaces methionine 156 with valine.
Molecular consequence: missense variant. On other transcripts: intron variant (1).
Genome position (GRCh38, 1-based): chr6:31,874,723, T>C on the plus strand (A>G on the coding strand, the complement: SLC44A4 is on the minus strand). VCF-style: chr6-31874723-T-C. GRCh37 (hg19) VCF-style: chr6-31842500-T-C.
Other names: c.238A>G, p.Met80Val (NM_001178045.2); c.343-203A>G (NM_001178044.2); short protein forms M156V, M80V.
Identifiers: ClinVar variation 431429 (VCV000431429.1), dbSNP rs1135402753, ClinGen allele CA363379147.
Genomic context (GRCh38, chr6:31,874,723, plus strand): 5'-TCTCGTGCCCACCCTGGCCCTTCTGGGCGACAGTGATGAGGTTAGGGGCAATATTCACCA[T>C]ATTCCAGGGTACCCCTGGCAGACAAAAGTTCCTGTTTTTTGTATAGAAGACTTCCCCAAC-3'
Protein context (NP_079533.2, residues 146-166): NFCLPGVPWN[Met156Val]TVITSLQQEL

ClinVar aggregate classification (germline): no classifications from unflagged records (0 of 4 stars; one submission).

Conditions:
Hearing loss, autosomal dominant 72. Also called: DEAFNESS, AUTOSOMAL DOMINANT 72. Identifiers: MedGen C4539886, MONDO:0033259, OMIM 617606.

Submission:

OMIM
Classification: Pathogenic for DEAFNESS, AUTOSOMAL DOMINANT 72 (1 family). Last evaluated: 2018-09-19. Review status: flagged submission. Collection method: literature only. Allele origin: germline.
ClinVar note: Notes: Flagging candidate with reason of insufficient supporting evidence. This gene has been classified as having a limited gene-disease relationship by a ClinGen Expert Panel.
ClinVar note: Reason: Other

Literature cited by the submitters: PubMed 28013291.